The following is an entry in ClinVar:

ClinVar aggregate classification (germline): Likely benign. Review status: criteria provided, multiple submitters, no conflicts (2 of 4 stars). 3 submissions from 3 submitters: Likely benign (2). 1 of the submissions does not count toward it. Last evaluated 2026-01-19.

Conditions:
Atrial septal defect 5 (ASD5). Identifiers: Orphanet 1478, MedGen C2748552, MONDO:0013011, OMIM 612794.
Dilated cardiomyopathy 1R (CMD1R). Identifiers: Orphanet 154, Orphanet 54260, MedGen C3150681, MONDO:0013261, OMIM 613424.
Hypertrophic cardiomyopathy 11. Also called: ACTC1-Related Familial Hypertrophic Cardiomyopathy. Identifiers: MedGen C2677506, MONDO:0012799, OMIM 612098.
ACTC1-related disorder. Also called: ACTC1-related condition.
Cardiomyopathy (CMYO). Also called: Cardiomyopathies. Identifiers: Orphanet 167848, MedGen C0878544, MONDO:0004994, HP:0001638. Inheritance: Various modes of inheritance.

gnomAD v4.1: 2 of 1,613,082 alleles (0.00012%); highest among the groups gnomAD compares: Non-Finnish European, 0.00017%; no homozygotes.

Submissions (3):

Labcorp Genetics (formerly Invitae), Labcorp
Classification: Likely benign for Dilated cardiomyopathy 1R; Hypertrophic cardiomyopathy 11; Atrial septal defect 5. Last evaluated: 2026-01-19. Review status: criteria provided, single submitter. Criteria: Invitae Variant Classification Sherloc (09022015). Collection method: clinical testing. Allele origin: germline.

Color Diagnostics, LLC DBA Color Health
Classification: Likely benign for Cardiomyopathy. Last evaluated: 2025-06-17. Review status: criteria provided, single submitter. Criteria: ACMG Guidelines, 2015. Collection method: clinical testing. Allele origin: germline.

PreventionGenetics, part of Exact Sciences
Classification: Likely benign for ACTC1-related condition. Last evaluated: 2020-10-26. Review status: no assertion criteria provided. Collection method: clinical testing. Allele origin: germline. Not counted in ClinVar's aggregate classification.
Comment: This variant is classified as likely benign based on ACMG/AMP sequence variant interpretation guidelines (Richards et al. 2015 PMID: 25741868, with internal and published modifications).

NM_005159.5(ACTC1):c.93T>A (p.Ala31=)

Genes: ACTC1 (actin alpha cardiac muscle 1; minus strand), GJD2-DT (GJD2 divergent transcript; plus strand). Cytogenetic location: 15q14.
Variant type: single nucleotide variant.
Coding change: c.93T>A on transcript NM_005159.5 (MANE Select); coding-DNA position 93, T replaced by A.
Protein change: p.Ala31=; no amino-acid change (alanine 31 retained).
Molecular consequence: synonymous variant.
Genome position (GRCh38, 1-based): chr15:34,794,716, A>T on the plus strand (T>A on the coding strand, the complement: ACTC1 is on the minus strand). VCF-style: chr15-34794716-A-T. GRCh37 (hg19) VCF-style: chr15-35086917-A-T.
Other names: c.93T>A, p.Ala31= (NM_001406482.1, NM_001406483.1).
Identifiers: ClinVar variation 2925106 (VCV002925106.6), dbSNP rs1341945129, ClinGen allele CA489420818.
Genomic context (GRCh38, chr15:34,794,716, plus strand): 5'-CGGGGGGCTCGGCGGGAAGTTTACCTGGTGCCGCGGGCGGCCCACGATGGACGGGAAGAC[A>T]GCGCGGGGCGCGTCATCGCCCGCAAAGCCGGCCTTCACCAGCCCAGAGCCGTTGTCGCAC-3'
Protein context (NP_005150.1, residues 21-41): AGFAGDDAPR[Ala31=]VFPSIVGRPR